The following is an entry in ClinVar:

NM_152743.4(BRAT1):c.1233G>A (p.Val411=)

Gene: BRAT1 (BRCA1 associated ATM activator 1; minus strand). Cytogenetic location: 7p22.3.
Variant type: single nucleotide variant.
Coding change: c.1233G>A on transcript NM_152743.4 (MANE Select); coding-DNA position 1233, G replaced by A.
Protein change: p.Val411=; no amino-acid change (valine 411 retained).
Molecular consequence: synonymous variant. On other transcripts: non-coding transcript variant (1).
Genome position (GRCh38, 1-based): chr7:2,541,386, C>T on the plus strand (G>A on the coding strand, the complement: BRAT1 is on the minus strand). VCF-style: chr7-2541386-C-T. GRCh37 (hg19) VCF-style: chr7-2581020-C-T.
Other names: c.1233G>A, p.Val411= (NM_001350626.2); c.708G>A, p.Val236= (NM_001350627.2); c.1233G>A (NM_152743.3).
Identifiers: ClinVar variation 1598842 (VCV001598842.11), dbSNP rs556970046, ClinGen allele CA4127872.

ClinVar aggregate classification (germline): Benign/Likely benign. Review status: criteria provided, multiple submitters, no conflicts (2 of 4 stars). 3 submissions from 3 submitters: Benign (1); Likely benign (1). 1 of the submissions does not count toward it. Last evaluated 2025-11-23.

Conditions:
BRAT1-related disorder. Also called: BRAT1-related disorders; BRAT1-related condition.
Neonatal-onset encephalopathy with rigidity and seizures. Also called: Lethal neonatal spasticity-epileptic encephalopathy syndrome. Identifiers: Orphanet 435845, MedGen C3281029, MONDO:0013784, OMIM 614498.

Allele frequency attached by ClinVar (database versions not stated): 1000 Genomes Project 0.00060; 1000 Genomes Project 30x 0.00062.
gnomAD v4.1: 190 of 1,607,054 alleles (0.012%); highest among the groups gnomAD compares: South Asian, 0.19%; 2 homozygotes.

Submissions (3):

Labcorp Genetics (formerly Invitae), Labcorp
Classification: Benign for Neonatal-onset encephalopathy with rigidity and seizures. Last evaluated: 2025-11-23. Review status: criteria provided, single submitter. Criteria: Invitae Variant Classification Sherloc (09022015). Collection method: clinical testing. Allele origin: germline.

Blueprint Genetics
Classification: Likely benign. Last evaluated: 2024-11-13. Review status: criteria provided, single submitter. Criteria: ACMG Guidelines, 2015. Collection method: clinical testing. Allele origin: germline.

PreventionGenetics, part of Exact Sciences
Classification: Likely benign for BRAT1-related condition. Last evaluated: 2024-01-26. Review status: no assertion criteria provided. Collection method: clinical testing. Allele origin: germline. Not counted in ClinVar's aggregate classification.
Comment: This variant is classified as likely benign based on ACMG/AMP sequence variant interpretation guidelines (Richards et al. 2015 PMID: 25741868, with internal and published modifications).